The following is an entry in ClinVar:

ClinVar aggregate classification (germline): Pathogenic (1 of 4 stars; one submission).

Conditions:
Hereditary breast ovarian cancer syndrome. Also called: Breast and ovarian cancer; BRCA1- and BRCA2-Associated Hereditary Breast and Ovarian Cancer; Hereditary breast and ovarian cancer syndrome; Hereditary breast and/or ovarian cancer syndrome; Hereditary breast and ovarian cancer; Hereditary breast and ovarian cancer syndrome (HBOC). Identifiers: Orphanet 145, MedGen C0677776, MeSH D061325, MONDO:0003582. Disease mechanism: loss of function.

Submission:

Labcorp Genetics (formerly Invitae), Labcorp
Classification: Pathogenic for Hereditary breast ovarian cancer syndrome. Last evaluated: 2022-07-01. Review status: criteria provided, single submitter. Criteria: Invitae Variant Classification Sherloc (09022015). Collection method: clinical testing. Allele origin: germline.
Comment: This variant is a gross deletion of the genomic region encompassing exon(s) 3-15 of the BRCA1 gene. This deletion is out-of-frame, and is expected to create a premature termination codon and result in an absent or disrupted protein product. Loss-of-function variants in BRCA1 are known to be pathogenic (PMID: 20104584). A similar copy number variant has been observed in individual(s) with breast cancer and/or ovarian cancer (PMID: 12960223, 18546071, 24549055). This variant is also known as deletion of exons 3-16. For these reasons, this variant has been classified as Pathogenic.

Literature cited by the submitters: PubMed 20104584; PubMed 12960223; PubMed 18546071; PubMed 24549055.

NC_000017.10:g.(?_41222925)_(41267816_?)del

Gene: BRCA1 (BRCA1 DNA repair associated; minus strand). Cytogenetic location: 17q21.31.
Variant type: Deletion.
Identifiers: ClinVar variation 1069353 (VCV001069353.2).